The following is an entry in ClinVar:

NM_014908.4(DOLK):c.1196G>A (p.Arg399Gln)

Gene: DOLK (dolichol kinase; minus strand). Cytogenetic location: 9q34.11.
Variant type: single nucleotide variant.
Coding change: c.1196G>A on transcript NM_014908.4 (MANE Select); coding-DNA position 1196, G replaced by A.
Protein change: p.Arg399Gln; replaces arginine 399 with glutamine.
Molecular consequence: missense variant.
Genome position (GRCh38, 1-based): chr9:128,946,108, C>T on the plus strand (G>A on the coding strand, the complement: DOLK is on the minus strand). VCF-style: chr9-128946108-C-T. GRCh37 (hg19) VCF-style: chr9-131708387-C-T.
Other names: short protein forms R399Q.
Identifiers: ClinVar variation 914086 (VCV000914086.8), dbSNP rs748688866, ClinGen allele CA5271609.

ClinVar aggregate classification (germline): Uncertain significance. Review status: criteria provided, multiple submitters, no conflicts (2 of 4 stars). 2 submissions from 2 submitters: Uncertain significance (2). Last evaluated 2022-04-06.

Conditions:
DK1-congenital disorder of glycosylation. Also called: CONGENITAL DISORDER OF GLYCOSYLATION, TYPE Im; CDG Im; DK1 DEFICIENCY; DOLICHOL KINASE DEFICIENCY; DOLK-congenital disorder of glycosylation; Carbohydrate deficient glycoprotein syndrome type 1m. Identifiers: Orphanet 91131, MedGen C1835849, MONDO:0012556, OMIM 610768.

Allele frequency attached by ClinVar (database versions not stated): gnomAD exomes below 0.00001; ExAC 0.00001; gnomAD 0.00001; TOPMed 0.00001.

Submissions (2):

Labcorp Genetics (formerly Invitae), Labcorp
Classification: Uncertain significance for DK1-congenital disorder of glycosylation. Last evaluated: 2022-04-06. Review status: criteria provided, single submitter. Criteria: Invitae Variant Classification Sherloc (09022015). Collection method: clinical testing. Allele origin: germline.
Comment: This sequence change replaces arginine, which is basic and polar, with glutamine, which is neutral and polar, at codon 399 of the DOLK protein (p.Arg399Gln). This variant is present in population databases (rs748688866, gnomAD 0.0009%). This variant has not been reported in the literature in individuals affected with DOLK-related conditions. ClinVar contains an entry for this variant (Variation ID: 914086). Algorithms developed to predict the effect of missense changes on protein structure and function are either unavailable or do not agree on the potential impact of this missense change (SIFT: "Tolerated"; PolyPhen-2: "Probably Damaging"; Align-GVGD: "Class C0"). In summary, the available evidence is currently insufficient to determine the role of this variant in disease. Therefore, it has been classified as a Variant of Uncertain Significance.

Illumina Laboratory Services, Illumina
Classification: Uncertain significance for DK1-congenital disorder of glycosylation. Last evaluated: 2018-02-09. Review status: criteria provided, single submitter. Criteria: ICSL Variant Classification Criteria 13 December 2019. Collection method: clinical testing. Allele origin: germline.